The following is an entry in ClinVar:

ClinVar aggregate classification (germline): Likely pathogenic (1 of 4 stars; one submission).

Conditions:
alpha Thalassemia. Also called: Alpha thalassemia spectrum. Identifiers: Orphanet 846, MedGen C0002312, MONDO:0011399, OMIM 604131.

Submission:

Natera, Inc.
Classification: Likely pathogenic for Alpha thalassemia. Last evaluated: 2025-07-23. Review status: criteria provided, single submitter. Criteria: Natera Variant Classification Schema (03/2026). Collection method: clinical testing. Allele origin: germline.
Comment: The c.119_120insTT variant in HBA1 is a frameshift variant predicted to shift the reading frame beginning at codon 41 and leads to a stop codon 10 codons downstream. This variant is expected to result in nonsense mediated decay, truncation, or a dysfunctional protein product. This variant is rare in the general population with a frequency below the threshold expected for the associated phenotype(s). Given the available evidence, this variant is classified as Likely Pathogenic.

NM_000558.5(HBA1):c.119_120insTT (p.Lys41fs)

Genes: HBA1 (hemoglobin subunit alpha 1; plus strand), LOC106804613 (hemoglobin subunit alpha 1 recombination region; plus strand). Cytogenetic location: 16p13.3.
Variant type: Insertion.
Coding change: c.119_120insTT on transcript NM_000558.5 (MANE Select); coding-DNA positions 119 to 120, TT inserted.
Protein change: p.Lys41fs; shifts the reading frame from lysine 41.
Molecular consequence: frameshift variant.
Genome position: GRCh38 VCF-style: chr16-176952-C-CTT. GRCh37 (hg19) VCF-style: chr16-226951-C-CTT.
Other names: short protein forms K41fs.
Identifiers: ClinVar variation 4814365 (VCV004814365.1).